The following is an entry in ClinVar:

ClinVar aggregate classification (germline): Uncertain significance (1 of 4 stars; one submission).

Submission:

CeGaT Center for Human Genetics Tuebingen
Classification: Uncertain significance. Last evaluated: 2025-05-01. Review status: criteria provided, single submitter. Criteria: CeGaT Center For Human Genetics Tuebingen Variant Classification Criteria Version 2. Collection method: clinical testing. Allele origin: germline. Affected: yes. Observed: 1 variant allele.
Comment: FHL1: PM2:Supporting, BP4

NM_001159699.2(FHL1):c.555C>T (p.Ile185=)

Gene: FHL1 (four and a half LIM domains 1; plus strand). Cytogenetic location: Xq26.3.
Variant type: single nucleotide variant.
Coding change: c.555C>T on transcript NM_001159699.2 (MANE Select); coding-DNA position 555, C replaced by T.
Protein change: p.Ile185=; no amino-acid change (isoleucine 185 retained).
Molecular consequence: synonymous variant. On other transcripts: non-coding transcript variant (1), intron variant (2).
Genome position (GRCh38, 1-based): chrX:136,208,460, C>T. VCF-style: chrX-136208460-C-T. GRCh37 (hg19) VCF-style: chrX-135290619-C-T.
Other names: c.507C>T, p.Ile169= (NM_001159700.2, NM_001159702.3, NM_001159704.1 and 8 more transcripts); c.594C>T, p.Ile198= (NM_001159701.2); c.501+499C>T (NM_001159703.2); c.549+499C>T (NM_001330659.2).
Identifiers: ClinVar variation 3905954 (VCV003905954.10).